The following is an entry in ClinVar:

ClinVar aggregate classification (germline): Uncertain significance. Review status: criteria provided, multiple submitters, no conflicts (2 of 4 stars). 3 submissions from 3 submitters: Uncertain significance (3). Last evaluated 2025-08-14.

Conditions:
BTK-related disorder. Also called: BTK-related condition.
X-linked agammaglobulinemia with growth hormone deficiency (IGHD3). Also called: AGAMMAGLOBULINEMIA AND ISOLATED GROWTH HORMONE DEFICIENCY, X-LINKED; ISOLATED GROWTH HORMONE DEFICIENCY, TYPE III, WITH AGAMMAGLOBULINEMIA; Isolated growth hormone deficiency type 3; Growth hormone deficiency with hypogammaglobulinemia; FLEISHER SYNDROME; HYPOGAMMAGLOBULINEMIA AND ISOLATED GROWTH HORMONE DEFICIENCY, X-LINKED. Identifiers: Orphanet 231692, Orphanet 631, MedGen C0472813, MONDO:0010615, OMIM 307200.

Allele frequency attached by ClinVar (database versions not stated): ExAC 0.00001; gnomAD 0.00001; gnomAD exomes 0.00001; TOPMed 0.00002; ESP Exome Variant Server 0.00009.
gnomAD v4.1: 16 of 1,209,919 alleles (0.0013%); highest among the groups gnomAD compares: Middle Eastern, 0.023%; no homozygotes.

Submissions (3):

Mayo Clinic Laboratories, Mayo Clinic
Classification: Uncertain significance. Last evaluated: 2025-08-14. Review status: criteria provided, single submitter. Criteria: ACMG Guidelines, 2015. Collection method: clinical testing. Allele origin: germline. Observed: 1 variant allele.
Comment: BP4_moderate, PP2

PreventionGenetics, part of Exact Sciences
Classification: Uncertain significance for BTK-related condition. Last evaluated: 2025-05-29. Review status: criteria provided, single submitter. Criteria: ACMG Guidelines, 2015. Collection method: clinical testing. Allele origin: germline.
Comment: The BTK c.7G>A variant is predicted to result in the amino acid substitution p.Ala3Thr. To our knowledge, this variant has not been reported in the literature. This variant is reported in 0.0024% of alleles in individuals of European (Non-Finnish) descent in gnomAD. At this time, the clinical significance of this variant is uncertain due to the absence of conclusive functional and genetic evidence.

Labcorp Genetics (formerly Invitae), Labcorp
Classification: Uncertain significance for X-linked agammaglobulinemia with growth hormone deficiency. Last evaluated: 2024-10-13. Review status: criteria provided, single submitter. Criteria: Invitae Variant Classification Sherloc (09022015). Collection method: clinical testing. Allele origin: germline.
Comment: This sequence change replaces alanine, which is neutral and non-polar, with threonine, which is neutral and polar, at codon 3 of the BTK protein (p.Ala3Thr). This variant is present in population databases (rs368549990, gnomAD 0.002%). This variant has not been reported in the literature in individuals affected with BTK-related conditions. ClinVar contains an entry for this variant (Variation ID: 1511355). Invitae Evidence Modeling of protein sequence and biophysical properties (such as structural, functional, and spatial information, amino acid conservation, physicochemical variation, residue mobility, and thermodynamic stability) indicates that this missense variant is not expected to disrupt BTK protein function with a negative predictive value of 95%. In summary, the available evidence is currently insufficient to determine the role of this variant in disease. Therefore, it has been classified as a Variant of Uncertain Significance.

NM_000061.3(BTK):c.7G>A (p.Ala3Thr)

Gene: BTK (Bruton tyrosine kinase; minus strand). Cytogenetic location: Xq22.1.
Variant type: single nucleotide variant.
Coding change: c.7G>A on transcript NM_000061.3 (MANE Select); coding-DNA position 7, G replaced by A.
Protein change: p.Ala3Thr; replaces alanine 3 with threonine.
Molecular consequence: missense variant.
Genome position (GRCh38, 1-based): chrX:101,375,278, C>T on the plus strand (G>A on the coding strand, the complement: BTK is on the minus strand). VCF-style: chrX-101375278-C-T. GRCh37 (hg19) VCF-style: chrX-100630266-C-T.
Other names: p.Ala3Thr; c.7G>A (NM_000061.2); c.109G>A, p.Ala37Thr (NM_001287344.2); c.7G>A, p.Ala3Thr (NM_001287345.2); short protein forms A37T, A3T.
Identifiers: ClinVar variation 1511355 (VCV001511355.9), dbSNP rs368549990, ClinGen allele CA10473242.